The following is an entry in ClinVar:

NM_015338.6(ASXL1):c.1433G>A (p.Gly478Asp)

Gene: ASXL1 (ASXL transcriptional regulator 1; plus strand). Cytogenetic location: 20q11.21.
Variant type: single nucleotide variant.
Coding change: c.1433G>A on transcript NM_015338.6 (MANE Select); coding-DNA position 1433, G replaced by A.
Protein change: p.Gly478Asp; replaces glycine 478 with aspartic acid.
Molecular consequence: missense variant.
Genome position (GRCh38, 1-based): chr20:32,433,631, G>A. VCF-style: chr20-32433631-G-A. GRCh37 (hg19) VCF-style: chr20-31021434-G-A.
Other names: c.1250G>A, p.Gly417Asp (NM_001363734.1); short protein forms G417D, G478D.
Identifiers: ClinVar variation 3957032 (VCV003957032.1).

ClinVar aggregate classification (germline): Uncertain significance (1 of 4 stars; one submission).

Conditions:
Inborn genetic diseases. Identifiers: MedGen C0950123, MeSH D030342.

gnomAD v4.1: 1 of 1,612,932 alleles (0.000062%); highest among the groups gnomAD compares: Non-Finnish European, 0.000085%; no homozygotes.

Submission:

Ambry Genetics
Classification: Uncertain significance for Inborn genetic diseases. Last evaluated: 2025-05-17. Review status: criteria provided, single submitter. Criteria: Ambry Variant Classification Scheme 2023. Collection method: clinical testing. Allele origin: germline.
Comment: The p.G478D variant (also known as c.1433G>A), located in coding exon 12 of the ASXL1 gene, results from a G to A substitution at nucleotide position 1433. The glycine at codon 478 is replaced by aspartic acid, an amino acid with similar properties. This amino acid position is conserved. In addition, this alteration is predicted to be tolerated by in silico analysis. Based on the available evidence, the clinical significance of this variant remains unclear.